The following is an entry in ClinVar:

NM_000426.4(LAMA2):c.3768_3771dup (p.Tyr1258fs)

Gene: LAMA2 (laminin subunit alpha 2; plus strand). Cytogenetic location: 6q22.33.
Variant type: Duplication.
Coding change: c.3768_3771dup on transcript NM_000426.4 (MANE Select); coding-DNA positions 3768 to 3771, 4 bases duplicated (AATC; older notation c.3768_3771dupAATC).
Protein change: p.Tyr1258fs; shifts the reading frame from tyrosine 1258.
Molecular consequence: frameshift variant.
Genome position (GRCh38, 1-based): chr6:129,315,794-129,315,797, AATC duplicated; duplicating any 4 consecutive bases within chr6:129,315,793-129,315,797 gives the same sequence; the c. name uses the placement nearest the transcript's 3' end. VCF-style (leftmost placement, unchanged base first): chr6-129315792-G-GCAAT. GRCh37 (hg19) VCF-style: chr6-129636937-G-GCAAT.
Other names: c.3768_3771dup, p.Tyr1258fs (NM_001079823.2); short protein forms Y1258fs.
Identifiers: ClinVar variation 2734947 (VCV002734947.5), dbSNP rs2482416664, ClinGen allele CA2695206987.

ClinVar aggregate classification (germline): Pathogenic. Review status: criteria provided, multiple submitters, no conflicts (2 of 4 stars). 3 submissions from 3 submitters: Pathogenic (3). Last evaluated 2025-03-05.

Conditions:
LAMA2-related disorder. Also called: LAMA2-related disorders; LAMA2-related condition.
LAMA2-related muscular dystrophy (LAMA2-RD). Also called: Laminin alpha 2-related dystrophy. Identifiers: MedGen C5679788, MONDO:0100228.

Submissions (3):

Myriad Genetics, Inc.
Classification: Pathogenic for LAMA2-related muscular dystrophy. Last evaluated: 2025-03-05. Review status: criteria provided, single submitter. Criteria: Myriad Autosomal Dominant, Autosomal Recessive and X-Linked Classification Criteria (2023). Collection method: clinical testing. Allele origin: unknown.
Comment: NM_000426.3(LAMA2):c.3768_3771dupAATC(Y1258Nfs*15) is a frameshift variant classified as pathogenic in the context of muscular dystrophy, LAMA2-related. Y1258Nfs*15 has been observed in a case with relevant disease (PMID: 20207543). Relevant functional assessments of this variant are not available in the literature. Y1258Nfs*15 has not been observed in referenced population frequency databases. In summary, NM_000426.3(LAMA2):c.3768_3771dupAATC(Y1258Nfs*15) is a frameshift variant that has been observed more frequently in cases with the relevant disease than in healthy populations. Please note: this variant was assessed in the context of healthy population screening.

3billion
Classification: Pathogenic for LAMA2-related disorder. Last evaluated: 2024-10-11. Review status: criteria provided, single submitter. Criteria: ACMG Guidelines, 2015. Collection method: clinical testing. Allele origin: germline. Affected: yes.
Comment: The variant is not observed in the gnomAD v4.1.0 dataset. Predicted Consequence/Location: Frameshift: predicted to result in a loss or disruption of normal protein function through nonsense-mediated decay (NMD) or protein truncation. Multiple pathogenic variants are reported downstream of the variant. The variant has been reported to be associated with LAMA2-related disorder (ClinVar ID: VCV002734947 /PMID: 20207543). Therefore, this variant is classified as Pathogenic according to the recommendation of ACMG/AMP guideline.

Labcorp Genetics (formerly Invitae), Labcorp
Classification: Pathogenic for LAMA2-related muscular dystrophy. Last evaluated: 2023-08-11. Review status: criteria provided, single submitter. Criteria: Invitae Variant Classification Sherloc (09022015). Collection method: clinical testing. Allele origin: germline.
Comment: For these reasons, this variant has been classified as Pathogenic. This premature translational stop signal has been observed in individual(s) with congenital muscular dystrophy (PMID: 20207543). This variant is not present in population databases (gnomAD no frequency). This sequence change creates a premature translational stop signal (p.Tyr1258Asnfs*15) in the LAMA2 gene. It is expected to result in an absent or disrupted protein product. Loss-of-function variants in LAMA2 are known to be pathogenic (PMID: 18700894, 32904964).

Literature cited by the submitters: PubMed 20207543 (cited by 3 submitters); PubMed 18700894 (cited by Labcorp Genetics (formerly Invitae), Labcorp); PubMed 32904964 (cited by Labcorp Genetics (formerly Invitae), Labcorp).